The following is an entry in ClinVar:

NM_002230.4(JUP):c.553C>A (p.Leu185Met)

Gene: JUP (junction plakoglobin; minus strand). Cytogenetic location: 17q21.2.
Variant type: single nucleotide variant.
Coding change: c.553C>A on transcript NM_002230.4 (MANE Select); coding-DNA position 553, C replaced by A.
Protein change: p.Leu185Met; replaces leucine 185 with methionine.
Molecular consequence: missense variant.
Genome position (GRCh38, 1-based): chr17:41,769,123, G>T on the plus strand (C>A on the coding strand, the complement: JUP is on the minus strand). VCF-style: chr17-41769123-G-T. GRCh37 (hg19) VCF-style: chr17-39925375-G-T.
Other names: c.553C>A, p.Leu185Met (NM_001352773.2, NM_001352774.2, NM_001352775.2 and 3 more transcripts); short protein forms L185M.
Identifiers: ClinVar variation 4089566 (VCV004089566.1).
Genomic context (GRCh38, chr17:41,769,123, plus strand): 5'-TGCAGCGGGCTGTGTCCAGGTCGCTGGTATTCTGCATGGTACGCACGACAGCGGCCACCA[G>T]CTGGGGCGAGCCCATCAGGGCCCGCCGCGACGCCTCCTTCTTCGACAGCTGGTTCACAAT-3'
Protein context (NP_002221.1, residues 175-195): SRRALMGSPQ[Leu185Met]VAAVVRTMQN

ClinVar aggregate classification (germline): Uncertain significance (1 of 4 stars; one submission).

Conditions:
Cardiovascular phenotype. Identifiers: MedGen CN230736.

Submission:

Ambry Genetics
Classification: Uncertain significance for Cardiovascular phenotype. Last evaluated: 2025-08-28. Review status: criteria provided, single submitter. Criteria: Ambry Variant Classification Scheme 2023. Collection method: clinical testing. Allele origin: germline.
Comment: The p.L185M variant (also known as c.553C>A), located in coding exon 3 of the JUP gene, results from a C to A substitution at nucleotide position 553. The leucine at codon 185 is replaced by methionine, an amino acid with highly similar properties. This amino acid position is conserved. In addition, this alteration is predicted to be tolerated by in silico analysis. Based on the available evidence, the clinical significance of this variant remains unclear.